The following is an entry in ClinVar:

NM_003412.4(ZIC1):c.1184C>T (p.Pro395Leu)

Gene: ZIC1 (Zic family zinc finger 1; plus strand). Cytogenetic location: 3q24.
Variant type: single nucleotide variant.
Coding change: c.1184C>T on transcript NM_003412.4 (MANE Select); coding-DNA position 1184, C replaced by T.
Protein change: p.Pro395Leu; replaces proline 395 with leucine.
Molecular consequence: missense variant.
Genome position (GRCh38, 1-based): chr3:147,413,391, C>T. VCF-style: chr3-147413391-C-T. GRCh37 (hg19) VCF-style: chr3-147131178-C-T.
Other names: short protein forms P395L.
Identifiers: ClinVar variation 5002798 (VCV005002798.1).

ClinVar aggregate classification (germline): Uncertain significance (1 of 4 stars; one submission).

Conditions:
Structural brain anomalies with impaired intellectual development and craniosynostosis. Identifiers: MedGen C5231485, MONDO:0032892, OMIM 618736.

Submission:

OLLIN Analises Genomicas, OLLIN
Classification: Uncertain significance for Structural brain anomalies with impaired intellectual development and craniosynostosis. Last evaluated: 2026-08-06. Review status: criteria provided, single submitter. Criteria: ACMG Guidelines 2015 PMID 25741868. Collection method: clinical testing. Allele origin: germline. Inheritance: Autosomal dominant inheritance.
Comment: This missense variant, located in exon 3 (of 3), is absent from gnomAD and ClinVar and has not been identified in the literature. In silico analysis is inconclusive regarding the impact of this variant. According to the currently available evidence, this variant has been classified as uncertain significance (PM2_P).